The following is an entry in ClinVar:

NM_016247.4(IMPG2):c.*446G>A

Gene: IMPG2 (interphotoreceptor matrix proteoglycan 2; minus strand). Cytogenetic location: 3q12.3.
Variant type: single nucleotide variant.
Coding change: c.*446G>A on transcript NM_016247.4 (MANE Select); 446 bases downstream of the stop codon, G replaced by A.
Molecular consequence: 3 prime UTR variant.
Genome position (GRCh38, 1-based): chr3:101,226,523, C>T on the plus strand (G>A on the coding strand, the complement: IMPG2 is on the minus strand). VCF-style: chr3-101226523-C-T. GRCh37 (hg19) VCF-style: chr3-100945367-C-T.
Identifiers: ClinVar variation 342319 (VCV000342319.5), dbSNP rs115295966, ClinGen allele CA10614793.

ClinVar aggregate classification (germline): Likely benign (1 of 4 stars; one submission).

Conditions:
Retinitis pigmentosa (RP). Identifiers: Orphanet 791, MedGen C0035334, MeSH D012174, MONDO:0019200, OMIM 268000. Inheritance: Autosomal dominant, autosomal recessive and X linked inheritance.

Allele frequency attached by ClinVar (database versions not stated): gnomAD exomes 0.00233; 1000 Genomes Project 0.01478; 1000 Genomes Project 30x 0.01530; gnomAD 0.01632; TOPMed 0.01947.

Submission:

Illumina Laboratory Services, Illumina
Classification: Likely benign for Retinitis pigmentosa. Last evaluated: 2018-01-13. Review status: criteria provided, single submitter. Criteria: ICSL Variant Classification Criteria 13 December 2019. Collection method: clinical testing. Allele origin: germline.
Comment: This variant was observed in the ICSL laboratory as part of a predisposition screen in an ostensibly healthy population. It had not been previously curated by ICSL or reported in the Human Gene Mutation Database (HGMD: prior to June 1st, 2018), and was therefore a candidate for classification through an automated scoring system. Utilizing variant allele frequency, disease prevalence and penetrance estimates, and inheritance mode, an automated score was calculated to assess if this variant is too frequent to cause the disease. Based on the score and internal cut-off values, a variant classified as likely benign is not then subjected to further curation. The score for this variant resulted in a classification of likely benign for this disease.